The following is an entry in ClinVar:

NM_014000.3(VCL):c.2434+159G>A

Gene: VCL (vinculin; plus strand). Cytogenetic location: 10q22.2.
Variant type: single nucleotide variant.
Coding change: c.2434+159G>A on transcript NM_014000.3 (MANE Select); 159 bases into the intron after coding-DNA position 2434, G replaced by A.
Molecular consequence: intron variant.
Genome position (GRCh38, 1-based): chr10:74,105,512, G>A. VCF-style: chr10-74105512-G-A. GRCh37 (hg19) VCF-style: chr10-75865270-G-A.
Other names: c.2434+159G>A (NM_003373.4).
Identifiers: ClinVar variation 673004 (VCV000673004.2), dbSNP rs57050827, ClinGen allele CA15662159.
Genomic context (GRCh38, chr10:74,105,512, plus strand): 5'-TGGGGGCAAAAACTATAGACACTTAGTTTGAGAATGCTAGATTAATCTTTTTCCATCCAA[G>A]TCTCTGCAGTTATCAGCAGGCTTGTTGTATGTTAGTTTTTCTGGACCAACTTCTCTGTGC-3'

ClinVar aggregate classification (germline): Benign. Review status: criteria provided, multiple submitters, no conflicts (2 of 4 stars). 2 submissions from 2 submitters: Benign (2). Last evaluated 2018-06-14.

Allele frequency attached by ClinVar (database versions not stated): gnomAD 0.06332 and 0.06780; 1000 Genomes Project 0.06949; TOPMed 0.07170; 1000 Genomes Project 30x 0.07417.
gnomAD v4.1: 9,532 of 152,148 alleles (6.3%); highest among the groups gnomAD compares: African/African-American, 21%; 939 homozygotes.

Submissions (2):

GeneDx
Classification: Benign. Last evaluated: 2018-06-14. Review status: criteria provided, single submitter. Criteria: GeneDx Variant Classification (06012015). Collection method: clinical testing. Allele origin: germline. Affected: yes.
Comment: This variant is considered likely benign or benign based on one or more of the following criteria: it is a conservative change, it occurs at a poorly conserved position in the protein, it is predicted to be benign by multiple in silico algorithms, and/or has population frequency not consistent with disease.

Breakthrough Genomics
Classification: Benign. Review status: criteria provided, single submitter. Criteria: ACMG Guidelines, 2015. Collection method: not provided. Allele origin: germline. Inheritance: Autosomal dominant inheritance. Affected: yes.